The following is an entry in ClinVar:

ClinVar aggregate classification (germline): Conflicting classifications of pathogenicity. Review status: criteria provided, conflicting classifications (1 of 4 stars). 17 submissions from 14 submitters: Uncertain significance (3); Benign (2); Likely benign (11). 1 of the submissions does not count toward it. Last evaluated 2026-05-20.

Conditions:
Hereditary cancer-predisposing syndrome. Also called: Tumor predisposition; Neoplastic Syndromes, Hereditary; Hereditary Cancer Syndrome; Hereditary neoplastic syndrome. Identifiers: Orphanet 140162, MedGen C0027672, MeSH D009386, MONDO:0015356.
Neurofibromatosis, familial spinal (FSNF). Identifiers: Orphanet 636, MedGen C1834235, MONDO:0008078, OMIM 162210. Disease mechanism: loss of function.
Neurofibromatosis-Noonan syndrome (NFNS). Also called: NEUROFIBROMATOSIS WITH NOONAN PHENOTYPE. Identifiers: Orphanet 638, MedGen C2931482, MONDO:0011035, OMIM 601321. Disease mechanism: loss of function.
Café-au-lait macules with pulmonary stenosis (WTSN). Also called: PULMONIC STENOSIS WITH CAFE-AU-LAIT SPOTS. Identifiers: MedGen C0553586, MONDO:0008672, OMIM 193520.
Neurofibromatosis, type 1 (NF1). Also called: Peripheral type neurofibromatosis; Neurofibromatosis, type I; NEUROFIBROMATOSIS, TYPE I, SOMATIC; VON RECKLINGHAUSEN DISEASE. Identifiers: Orphanet 636, MedGen C0027831, MONDO:0018975, OMIM 162200. Disease mechanism: loss of function.

Allele frequency attached by ClinVar (database versions not stated): TOPMed 0.00010; gnomAD exomes 0.00012 and 0.00014; ExAC 0.00013; ESP Exome Variant Server 0.00015; gnomAD 0.00008 and 0.00009.
gnomAD v4.1: 193 of 1,613,918 alleles (0.012%); highest among the groups gnomAD compares: Middle Eastern, 0.13%; no homozygotes.

Submissions (17):

Myriad Genetics, Inc.
Classification: Benign for Neurofibromatosis, type 1. Last evaluated: 2026-05-20. Review status: criteria provided, single submitter. Criteria: Myriad Autosomal Dominant, Autosomal Recessive and X-Linked Classification Criteria (2023). Collection method: clinical testing. Allele origin: unknown.
Comment: This variant is considered benign. This variant is a silent/synonymous amino acid change and it is not expected to impact splicing.

Labcorp Genetics (formerly Invitae), Labcorp
Classification: Likely benign for Neurofibromatosis, type 1. Last evaluated: 2026-01-31. Review status: criteria provided, single submitter. Criteria: Invitae Variant Classification Sherloc (09022015). Collection method: clinical testing. Allele origin: germline.

Laboratory of Genetics, Children's Clinical University Hospital Latvia
Classification: Likely benign. Last evaluated: 2025-02-16. Review status: criteria provided, single submitter. Criteria: ACMG Guidelines, 2015. Collection method: clinical testing. Allele origin: germline. Affected: yes.

Blueprint Genetics
Classification: Likely benign. Last evaluated: 2024-11-27. Review status: criteria provided, single submitter. Criteria: ACMG Guidelines, 2015. Collection method: clinical testing. Allele origin: germline.

CeGaT Center for Human Genetics Tuebingen
Classification: Likely benign. Last evaluated: 2024-07-01. Review status: criteria provided, single submitter. Criteria: CeGaT Center For Human Genetics Tuebingen Variant Classification Criteria Version 2. Collection method: clinical testing. Allele origin: germline. Affected: yes. Observed: 1 variant allele.
Comment: NF1: BP4

KCCC/NGS Laboratory, Kuwait Cancer Control Center
Classification: Likely benign for Neurofibromatosis, familial spinal. Last evaluated: 2023-07-07. Review status: criteria provided, single submitter. Criteria: ACMG Guidelines, 2015. Collection method: clinical testing. Allele origin: germline. Affected: yes.

Sema4
Classification: Likely benign for Hereditary cancer-predisposing syndrome. Last evaluated: 2021-09-17. Review status: criteria provided, single submitter. Criteria: Sema4 Curation Guidelines. Collection method: curation. Allele origin: germline.

GeneDx
Classification: Likely benign. Last evaluated: 2020-11-30. Review status: criteria provided, single submitter. Criteria: GeneDx Variant Classification Process June 2021. Collection method: clinical testing. Allele origin: germline. Affected: yes.
Comment: This variant is associated with the following publications: (PMID: 26214590)

ARUP Laboratories, Molecular Genetics and Genomics, ARUP Laboratories
Classification: Likely benign. Last evaluated: 2020-08-25. Review status: criteria provided, single submitter. Criteria: ARUP Molecular Germline Variant Investigation Process. Collection method: clinical testing. Allele origin: germline.

Women's Health and Genetics/Laboratory Corporation of America, LabCorp
Classification: Likely benign. Last evaluated: 2018-03-23. Review status: criteria provided, single submitter. Criteria: LabCorp Variant Classification Summary - May 2015. Collection method: clinical testing. Allele origin: germline.
Comment: Variant summary: NF1 c.5694G>A alters a conserved nucleotide resulting in a synonymous change. 5/5 computational tools predict no significant impact on normal splicing. However, these predictions have yet to be confirmed by functional studies. The variant was observed with an allele frequency of 0.0001 in 276970 control chromosomes (gnomAD). The observed variant frequency within Latino control individuals in the gnomAD database is comparable to the estimated maximal expected allele frequency for a pathogenic variant in NF1 causing Neurofibromatosis Type 1 phenotype (0.00021), strongly suggesting that the variant is a benign polymorphism found primarily in populations of Latino origin. To our knowledge, no occurrence of c.5694G>A in individuals affected with Neurofibromatosis Type 1 and no experimental evidence demonstrating its impact on protein function have been reported. A ClinVar submission from a clinical diagnostic laboratory (evaluation after 2014) cites the variant as "likely benign." Based on the evidence outlined above, the variant was classified as likely benign.

Illumina Laboratory Services, Illumina
Classification: Uncertain significance for Neurofibromatosis, familial spinal. Last evaluated: 2018-01-13. Review status: criteria provided, single submitter. Criteria: ICSL Variant Classification Criteria 13 December 2019. Collection method: clinical testing. Allele origin: germline.

Illumina Laboratory Services, Illumina
Classification: Uncertain significance for Neurofibromatosis, type 1. Last evaluated: 2018-01-13. Review status: criteria provided, single submitter. Criteria: ICSL Variant Classification Criteria 13 December 2019. Collection method: clinical testing. Allele origin: germline.

Illumina Laboratory Services, Illumina
Classification: Benign for Neurofibromatosis-Noonan syndrome. Last evaluated: 2018-01-13. Review status: criteria provided, single submitter. Criteria: ICSL Variant Classification Criteria 13 December 2019. Collection method: clinical testing. Allele origin: germline.
Comment: This variant was observed in the ICSL laboratory as part of a predisposition screen in an ostensibly healthy population. It had not been previously curated by ICSL or reported in the Human Gene Mutation Database (HGMD: prior to June 1st, 2018), and was therefore a candidate for classification through an automated scoring system. Utilizing variant allele frequency, disease prevalence and penetrance estimates, and inheritance mode, an automated score was calculated to assess if this variant is too frequent to cause the disease. Based on the score and internal cut-off values, a variant classified as benign is not then subjected to further curation. The score for this variant resulted in a classification of benign for this disease.

Illumina Laboratory Services, Illumina
Classification: Uncertain significance for Café-au-lait macules with pulmonary stenosis. Last evaluated: 2018-01-13. Review status: criteria provided, single submitter. Criteria: ICSL Variant Classification Criteria 13 December 2019. Collection method: clinical testing. Allele origin: germline.

PreventionGenetics, part of Exact Sciences
Classification: Likely benign. Last evaluated: 2017-08-15. Review status: criteria provided, single submitter. Criteria: ACMG Guidelines, 2015. Collection method: clinical testing. Allele origin: germline.

Ambry Genetics
Classification: Likely benign for Hereditary cancer-predisposing syndrome. Last evaluated: 2014-10-09. Review status: criteria provided, single submitter. Criteria: Ambry Autosomal Dominant and X-Linked criteria (10/2015). Collection method: clinical testing. Allele origin: germline. Observed: 1 variant allele.

Institute for Biomarker Research, Medical Diagnostic Laboratories, L.L.C.
Classification: Uncertain significance for Hereditary cancer-predisposing syndrome. Last evaluated: 2021-09-15. Review status: no assertion criteria provided. Collection method: clinical testing. Allele origin: germline. Not counted in ClinVar's aggregate classification.

NM_001042492.3(NF1):c.5757G>A (p.Glu1919=)

Gene: NF1 (neurofibromin 1; plus strand). Cytogenetic location: 17q11.2.
Variant type: single nucleotide variant.
Coding change: c.5757G>A on transcript NM_001042492.3 (MANE Select); coding-DNA position 5757, G replaced by A.
Protein change: p.Glu1919=; no amino-acid change (glutamic acid 1919 retained).
Molecular consequence: synonymous variant.
Genome position (GRCh38, 1-based): chr17:31,330,443, G>A. VCF-style: chr17-31330443-G-A. GRCh37 (hg19) VCF-style: chr17-29657461-G-A.
Other names: c.5694G>A, p.Glu1898= (NM_000267.4).
Identifiers: ClinVar variation 184188 (VCV000184188.49), dbSNP rs141077224, ClinGen allele CA188125.